The following is an entry in ClinVar:

ClinVar aggregate classification (germline): Likely pathogenic. Review status: criteria provided, single submitter (1 of 4 stars). 2 submissions from 2 submitters: Likely pathogenic (1). 1 of the submissions does not count toward it. Last evaluated 2024-08-05.

Conditions:
Short stature and advanced bone age, with or without early-onset osteoarthritis and/or osteochondritis dissecans (SSOAOD). Identifiers: Orphanet 251262, MedGen C3665488, MONDO:0100462, OMIM 165800.

Submissions (2):

Labcorp Genetics (formerly Invitae), Labcorp
Classification: Likely pathogenic. Last evaluated: 2024-08-05. Review status: criteria provided, single submitter. Criteria: Invitae Variant Classification Sherloc (09022015). Collection method: clinical testing. Allele origin: germline.
Comment: This sequence change affects a donor splice site in intron 7 of the ACAN gene. It is expected to disrupt RNA splicing. Variants that disrupt the donor or acceptor splice site typically lead to a loss of protein function (PMID: 16199547), and loss-of-function variants in ACAN are known to be pathogenic (PMID: 16080123, 24762113). This variant is not present in population databases (gnomAD no frequency). Disruption of this splice site has been observed in individual(s) with autosomal dominant ACAN-related conditions (PMID: 35620465). ClinVar contains an entry for this variant (Variation ID: 1473730). Algorithms developed to predict the effect of sequence changes on RNA splicing suggest that this variant may disrupt the consensus splice site. In summary, the currently available evidence indicates that the variant is pathogenic, but additional data are needed to prove that conclusively. Therefore, this variant has been classified as Likely Pathogenic.

Autoinflammatory diseases unit, CHU de Montpellier
Classification: Likely pathogenic for Short stature and advanced bone age, with or without early-onset osteoarthritis and/or osteochondritis dissecans. Last evaluated: 2024-03-29. Review status: no assertion criteria provided. Collection method: clinical testing. Allele origin: unknown. Affected: yes. Not counted in ClinVar's aggregate classification.

Literature cited by the submitters: PubMed 16199547 (cited by Labcorp Genetics (formerly Invitae), Labcorp); PubMed 16080123 (cited by Labcorp Genetics (formerly Invitae), Labcorp); PubMed 24762113 (cited by Labcorp Genetics (formerly Invitae), Labcorp); PubMed 35620465 (cited by Labcorp Genetics (formerly Invitae), Labcorp).

NM_001369268.1(ACAN):c.1429+1G>T

Gene: ACAN (aggrecan; plus strand). Cytogenetic location: 15q26.1.
Variant type: single nucleotide variant.
Coding change: c.1429+1G>T on transcript NM_001369268.1 (MANE Select); the canonical splice donor site of the intron after coding-DNA position 1429, G replaced by T.
Molecular consequence: splice donor variant.
Genome position (GRCh38, 1-based): chr15:88,845,883, G>T. VCF-style: chr15-88845883-G-T. GRCh37 (hg19) VCF-style: chr15-89389114-G-T.
Other names: c.1429+1G>T (NM_013227.4, NM_001411097.1, NM_001411096.1 and 2 more transcripts).
Identifiers: ClinVar variation 1473730 (VCV001473730.7), dbSNP rs2141582868, ClinGen allele CA393710337.
Genomic context (GRCh38, chr15:88,845,883, plus strand): 5'-CCAGTGAGGACCTCGTCGTGCAGGTGACCGCTGTCCCTGGGCAGCCGCATTTGCCAGGGG[G>T]TAAGTAGCTGCCCGTGGGTGCATCCAGGGGCAGGTGGAGAGAACTTGGCCTGCAGGGAAG-3'